The following is an entry in ClinVar:

ClinVar aggregate classification (germline): Likely benign. Review status: criteria provided, single submitter (1 of 4 stars). 2 submissions from 2 submitters: Likely benign (1). 1 of the submissions does not count toward it. Last evaluated 2024-06-12.

Conditions:
WDFY3-related disorder.

Allele frequency attached by ClinVar (database versions not stated): gnomAD exomes below 0.00001; TOPMed below 0.00001; gnomAD 0.00001.
gnomAD v4.1: 3 of 1,613,864 alleles (0.00019%); highest among the groups gnomAD compares: Non-Finnish European, 0.00025%; no homozygotes.

Submissions (2):

Blueprint Genetics
Classification: Likely benign. Last evaluated: 2024-06-12. Review status: criteria provided, single submitter. Criteria: ACMG Guidelines, 2015. Collection method: clinical testing. Allele origin: germline.

PreventionGenetics, part of Exact Sciences
Classification: Likely benign for WDFY3-related condition. Last evaluated: 2019-05-28. Review status: no assertion criteria provided. Collection method: clinical testing. Allele origin: germline. Not counted in ClinVar's aggregate classification.
Comment: This variant is classified as likely benign based on ACMG/AMP sequence variant interpretation guidelines (Richards et al. 2015 PMID: 25741868, with internal and published modifications).

NM_014991.6(WDFY3):c.7650C>T (p.Thr2550=)

Gene: WDFY3 (WD repeat and FYVE domain containing 3; minus strand). Cytogenetic location: 4q21.23.
Variant type: single nucleotide variant.
Coding change: c.7650C>T on transcript NM_014991.6 (MANE Select); coding-DNA position 7650, C replaced by T.
Protein change: p.Thr2550=; no amino-acid change (threonine 2550 retained).
Molecular consequence: synonymous variant.
Genome position (GRCh38, 1-based): chr4:84,718,526, G>A on the plus strand (C>T on the coding strand, the complement: WDFY3 is on the minus strand). VCF-style: chr4-84718526-G-A. GRCh37 (hg19) VCF-style: chr4-85639679-G-A.
Identifiers: ClinVar variation 3044518 (VCV003044518.3), dbSNP rs915666844, ClinGen allele CA100690333.